The following is an entry in ClinVar:

NM_001365999.1(SZT2):c.6508+1G>A

Gene: SZT2 (SZT2 subunit of KICSTOR complex; plus strand). Cytogenetic location: 1p34.2.
Variant type: single nucleotide variant.
Coding change: c.6508+1G>A on transcript NM_001365999.1 (MANE Select); the canonical splice donor site of the intron after coding-DNA position 6508, G replaced by A.
Molecular consequence: splice donor variant.
Genome position (GRCh38, 1-based): chr1:43,437,903, G>A. VCF-style: chr1-43437903-G-A. GRCh37 (hg19) VCF-style: chr1-43903574-G-A.
Other names: c.6337+1G>A (NM_015284.4).
Identifiers: ClinVar variation 2121477 (VCV002121477.4), dbSNP rs2545842119, ClinGen allele CA340029976.

ClinVar aggregate classification (germline): Likely pathogenic (1 of 4 stars; one submission).

Submission:

Labcorp Genetics (formerly Invitae), Labcorp
Classification: Likely pathogenic. Last evaluated: 2022-04-04. Review status: criteria provided, single submitter. Criteria: Invitae Variant Classification Sherloc (09022015). Collection method: clinical testing. Allele origin: germline.
Comment: This sequence change affects a donor splice site in intron 45 of the SZT2 gene. It is expected to disrupt RNA splicing. Variants that disrupt the donor or acceptor splice site typically lead to a loss of protein function (PMID: 16199547), and loss-of-function variants in SZT2 are known to be pathogenic (PMID: 23932106, 27248490, 28556953). This variant is not present in population databases (gnomAD no frequency). This variant has not been reported in the literature in individuals affected with SZT2-related conditions. Algorithms developed to predict the effect of sequence changes on RNA splicing suggest that this variant may disrupt the consensus splice site. In summary, the currently available evidence indicates that the variant is pathogenic, but additional data are needed to prove that conclusively. Therefore, this variant has been classified as Likely Pathogenic.

Literature cited by the submitters: PubMed 16199547; PubMed 23932106; PubMed 27248490; PubMed 28556953.